The following is an entry in ClinVar:

NM_015705.6(SGSM3):c.1197C>T (p.Arg399=)

Gene: SGSM3 (small G protein signaling modulator 3; plus strand). Cytogenetic location: 22q13.1.
Variant type: single nucleotide variant.
Coding change: c.1197C>T on transcript NM_015705.6 (MANE Select); coding-DNA position 1197, C replaced by T.
Protein change: p.Arg399=; no amino-acid change (arginine 399 retained).
Molecular consequence: synonymous variant. On other transcripts: non-coding transcript variant (4).
Genome position (GRCh38, 1-based): chr22:40,407,028, C>T. VCF-style: chr22-40407028-C-T. GRCh37 (hg19) VCF-style: chr22-40803032-C-T.
Other names: c.1008C>T, p.Arg336= (NM_001301849.2, NM_001350042.2, NM_001350044.2 and 1 more transcripts); c.1197C>T, p.Arg399= (NM_001350039.2, NM_001350040.2, NM_001350041.2); c.996C>T, p.Arg332= (NM_001350043.2, NM_001350046.2, NM_001350047.2); c.699C>T, p.Arg233= (NM_001350048.2).
Identifiers: ClinVar variation 5039982 (VCV005039982.1).
Genomic context (GRCh38, chr22:40,407,028, plus strand): 5'-CTCTTCCTCCCGGGGCCAGGACCACCCTGACCCACTCCTCTTGGTGCAGGTTGTTCGCCG[C>T]AGGACCCAGCGGAGGAAGTCCACCATCACTGCTCTGCTCTTCGGTGAGAGCTCTGCGAGT-3'
Protein context (NP_056520.2, residues 389-409): TLTNLSQVVR[Arg399=]RTQRRKSTIT

ClinVar aggregate classification (germline): Likely benign (1 of 4 stars; one submission).

Submission:

CeGaT Center for Human Genetics Tuebingen
Classification: Likely benign. Last evaluated: 2026-07-01. Review status: criteria provided, single submitter. Criteria: CeGaT Center For Human Genetics Tuebingen Variant Classification Criteria Version 2. Collection method: clinical testing. Allele origin: germline. Affected: yes. Observed: 1 variant allele.
Comment: SGSM3: PM2:Supporting, BP4, BP7